The following is an entry in ClinVar:

NM_001330078.2(NRXN1):c.3799C>T (p.Leu1267Phe)

Gene: NRXN1 (neurexin 1; minus strand). Cytogenetic location: 2p16.3.
Variant type: single nucleotide variant.
Coding change: c.3799C>T on transcript NM_001330078.2 (MANE Select); coding-DNA position 3799, C replaced by T.
Protein change: p.Leu1267Phe; replaces leucine 1267 with phenylalanine.
Molecular consequence: missense variant. On other transcripts: intron variant (8).
Genome position (GRCh38, 1-based): chr2:50,054,964, G>A on the plus strand (C>T on the coding strand, the complement: NRXN1 is on the minus strand). VCF-style: chr2-50054964-G-A. GRCh37 (hg19) VCF-style: chr2-50282102-G-A.
Other names: c.3733C>T, p.Leu1245Phe (NM_001330084.2); c.3772C>T, p.Leu1258Phe (NM_001330085.2); c.3787C>T, p.Leu1263Phe (NM_001330094.2); c.3608-1374C>T (NM_001330096.2, NM_001330087.2); c.3775C>T, p.Leu1259Phe (NM_001330077.2, NM_001330082.2); c.3799C>T, p.Leu1267Phe (NM_001330086.2); c.694C>T, p.Leu232Phe (NM_001330091.2, NM_001330092.2); c.3796C>T, p.Leu1266Phe (NM_001330093.2); and 6 more; short protein forms L1259F, L1266F, L1263F, L232F, L1307F, L1245F, L1258F, L1267F.
Identifiers: ClinVar variation 960578 (VCV000960578.9), dbSNP rs1573636664, ClinGen allele CA346820044.

ClinVar aggregate classification (germline): Uncertain significance (1 of 4 stars; one submission).

Conditions:
Pitt-Hopkins-like syndrome 2 (PTHSL2). Identifiers: Orphanet 221150, Orphanet 600663, MedGen C3280479, MONDO:0013690, OMIM 614325.

Submission:

Labcorp Genetics (formerly Invitae), Labcorp
Classification: Uncertain significance for Pitt-Hopkins-like syndrome 2. Last evaluated: 2019-11-11. Review status: criteria provided, single submitter. Criteria: Invitae Variant Classification Sherloc (09022015). Collection method: clinical testing. Allele origin: germline.
Comment: Algorithms developed to predict the effect of missense changes on protein structure and function are either unavailable or do not agree on the potential impact of this missense change (SIFT: "Deleterious"; PolyPhen-2: "Probably Damaging"; Align-GVGD: "Class C0"). This sequence change replaces leucine with phenylalanine at codon 1307 of the NRXN1 protein (p.Leu1307Phe). The leucine residue is highly conserved and there is a small physicochemical difference between leucine and phenylalanine. This variant is not present in population databases (ExAC no frequency). This variant has not been reported in the literature in individuals with NRXN1-related conditions. In summary, the available evidence is currently insufficient to determine the role of this variant in disease. Therefore, it has been classified as a Variant of Uncertain Significance.